The following is an entry in ClinVar:

ClinVar aggregate classification (germline): Pathogenic/Likely pathogenic. Review status: criteria provided, multiple submitters, no conflicts (2 of 4 stars). 3 submissions from 3 submitters: Pathogenic (2); Likely pathogenic (1). Last evaluated 2026-08-21.

Conditions:
Cardiovascular phenotype. Identifiers: MedGen CN230736.
LMNA-related disorder. Also called: LMNA-related condition; LMNA-related disease; LMNA-related disorders. Identifiers: MedGen CN380145.
Charcot-Marie-Tooth disease type 2. Also called: Charcot-Marie-Tooth type 2. Identifiers: Orphanet 64746, MedGen C0270914, MONDO:0018993.

Submissions (3):

Ambry Genetics
Classification: Pathogenic for Cardiovascular phenotype. Last evaluated: 2026-08-21. Review status: criteria provided, single submitter. Criteria: Ambry Variant Classification Scheme 2023. Collection method: clinical testing. Allele origin: germline.
Comment: The p.S295* pathogenic mutation (also known as c.884C>A), located in coding exon 5 of the LMNA gene, results from a C to A substitution at nucleotide position 884. This changes the amino acid from a serine to a stop codon within coding exon 5. This variant is considered to be rare based on population cohorts in the Genome Aggregation Database (gnomAD). This alteration is expected to result in loss of function by premature protein truncation or nonsense-mediated mRNA decay. As such, this alteration is interpreted as a disease-causing mutation.

Blueprint Genetics
Classification: Likely pathogenic for LMNA-related disorders. Last evaluated: 2024-07-01. Review status: criteria provided, single submitter. Criteria: ACMG Guidelines, 2015. Collection method: clinical testing. Allele origin: germline. Affected: yes. Observed: 3 variant alleles.

Labcorp Genetics (formerly Invitae), Labcorp
Classification: Pathogenic for Charcot-Marie-Tooth disease type 2. Last evaluated: 2023-06-17. Review status: criteria provided, single submitter. Criteria: Invitae Variant Classification Sherloc (09022015). Collection method: clinical testing. Allele origin: germline.
Comment: For these reasons, this variant has been classified as Pathogenic. This variant has not been reported in the literature in individuals affected with LMNA-related conditions. This variant is not present in population databases (gnomAD no frequency). This sequence change creates a premature translational stop signal (p.Ser295*) in the LMNA gene. It is expected to result in an absent or disrupted protein product. Loss-of-function variants in LMNA are known to be pathogenic (PMID: 18585512, 18926329).

Literature cited by the submitters: PubMed 18585512 (cited by Labcorp Genetics (formerly Invitae), Labcorp); PubMed 18926329 (cited by Labcorp Genetics (formerly Invitae), Labcorp).

NM_170707.4(LMNA):c.884C>A (p.Ser295Ter)

Gene: LMNA (lamin A/C; plus strand). Cytogenetic location: 1q22.
Variant type: single nucleotide variant.
Coding change: c.884C>A on transcript NM_170707.4 (MANE Select); coding-DNA position 884, C replaced by A.
Protein change: p.Ser295Ter; replaces serine 295 with a stop codon.
Molecular consequence: nonsense. On other transcripts: missense variant (4).
Genome position (GRCh38, 1-based): chr1:156,135,260, C>A. VCF-style: chr1-156135260-C-A. GRCh37 (hg19) VCF-style: chr1-156105051-C-A.
Other names: c.326C>A, p.Ser109Ter (NM_001406993.1, NM_001406995.1, NM_001406996.1 and 4 more transcripts); c.220C>A, p.Arg74Ser (NM_001406994.1, NM_001406999.1, NM_001407000.1 and 1 more transcripts); c.548C>A, p.Ser183Ter (NM_001406998.1, NM_001257374.3, NM_001406989.1); c.884C>A, p.Ser295Ter (NM_005572.4, NM_170708.4, NM_001282625.2 and 6 more transcripts); c.641C>A, p.Ser214Ter (NM_001282624.2, NM_001406986.1, NM_001406987.1); c.587C>A, p.Ser196Ter (NM_001406988.1); short protein forms R74S, S183*, S109*, S196*, S214*, S295*.
Identifiers: ClinVar variation 2718218 (VCV002718218.5), dbSNP rs769210828, ClinGen allele CA342817751.
Genomic context (GRCh38, chr1:156,135,260, plus strand): 5'-GGCAGTCTGCTGAGAGGAACAGCAACCTGGTGGGGGCTGCCCACGAGGAGCTGCAGCAGT[C>A]GCGCATCCGCATCGACAGCCTCTCTGCCCAGCTCAGCCAGCTCCAGAAGCAGGTGATACC-3'